The following is an entry in ClinVar:

ClinVar aggregate classification (germline): other (0 of 4 stars; one submission).

Conditions:
Familial colorectal cancer. Identifiers: MedGen CN280943, MONDO:0023113. Disease mechanism: loss of function.

Submission:

Systems Biology Platform Zhejiang California International NanoSystems Institute
Classification: other for Familial colorectal cancer. Review status: no assertion criteria provided. Collection method: not provided. Allele origin: unknown.
ClinVar note: Converted during submission from cancer to other.

NC_000005.10:g.112846672G>A

Variant type: single nucleotide variant.
Genome position: GRCh38 VCF-style: chr5-112846672-G-A. GRCh37 (hg19) VCF-style: chr5-112182369-G-A.
Identifiers: ClinVar variation 83271 (VCV000083271.2), dbSNP rs76130955, ClinGen allele CA250963.